The following is an entry in ClinVar:

NM_003384.3(VRK1):c.976C>T (p.Gln326Ter)

Gene: VRK1 (VRK serine/threonine kinase 1; plus strand). Cytogenetic location: 14q32.2.
Variant type: single nucleotide variant.
Coding change: c.976C>T on transcript NM_003384.3 (MANE Select); coding-DNA position 976, C replaced by T.
Protein change: p.Gln326Ter; replaces glutamine 326 with a stop codon.
Molecular consequence: nonsense.
Genome position (GRCh38, 1-based): chr14:96,860,643, C>T. VCF-style: chr14-96860643-C-T. GRCh37 (hg19) VCF-style: chr14-97326980-C-T.
Other names: short protein forms Q326*.
Identifiers: ClinVar variation 619220 (VCV000619220.15), dbSNP rs1566713184, ClinGen allele CA390932129.
Genomic context (GRCh38, chr14:96,860,643, plus strand): 5'-GTGAAATTACTAGACTACACTGAAAAACCTCTTTATGAAAATTTACGTGACATTCTTTTG[C>T]AAGGACTAAAAGCTATAGGAAGTAAGGATGATGGCAAATTGGACCTCAGTGTTGTGGAGA-3'

ClinVar aggregate classification (germline): Pathogenic. Review status: criteria provided, multiple submitters, no conflicts (2 of 4 stars). 4 submissions from 4 submitters: Pathogenic (3). 1 of the submissions does not count toward it. Last evaluated 2025-07-22.

Conditions:
Pontocerebellar hypoplasia type 1A (PCH1A). Also called: PONTOCEREBELLAR HYPOPLASIA WITH ANTERIOR HORN CELL DISEASE; PONTOCEREBELLAR HYPOPLASIA WITH INFANTILE SPINAL MUSCULAR ATROPHY. Identifiers: Orphanet 2254, Orphanet 88616, MedGen C1843504, MONDO:0011866, OMIM 607596.

gnomAD v4.1: 1 of 1,613,260 alleles (0.000062%); no homozygotes.

Submissions (4):

GeneDx
Classification: Pathogenic. Last evaluated: 2025-07-22. Review status: criteria provided, single submitter. Criteria: GeneDx Variant Classification Process June 2021. Collection method: clinical testing. Allele origin: germline. Affected: yes.
Comment: Nonsense variant predicted to result in protein truncation or nonsense mediated decay in a gene for which loss of function is a known mechanism of disease; Not observed at significant frequency in large population cohorts (gnomAD); This variant is associated with the following publications: (PMID: 39693713, 33522008)

Natera, Inc.
Classification: Pathogenic for Pontocerebellar hypoplasia, type 1a. Last evaluated: 2024-04-03. Review status: criteria provided, single submitter. Criteria: Natera Variant Classification Schema (03/2026). Collection method: clinical testing. Allele origin: germline.
Comment: The c.976C>T variant in VRK1 is a nonsense variant predicted to introduce a stop codon at amino acid 326. This variant is expected to result in nonsense mediated decay, truncation, or a dysfunctional protein product. This variant is rare in the general population with a frequency below the threshold expected for the associated phenotype(s). This variant has been observed in one or more individuals affected with the associated recessive disease, as either homozygous or compound heterozygous with a second variant (PMID: 33522008). Given the available evidence, this variant is classified as Pathogenic.

Labcorp Genetics (formerly Invitae), Labcorp
Classification: Pathogenic for Pontocerebellar hypoplasia type 1A. Last evaluated: 2024-01-03. Review status: criteria provided, single submitter. Criteria: Invitae Variant Classification Sherloc (09022015). Collection method: clinical testing. Allele origin: germline.
Comment: This sequence change creates a premature translational stop signal (p.Gln326*) in the VRK1 gene. It is expected to result in an absent or disrupted protein product. Loss-of-function variants in VRK1 are known to be pathogenic (PMID: 19646678, 24126608, 27281532). This variant is not present in population databases (gnomAD no frequency). This variant has not been reported in the literature in individuals affected with VRK1-related conditions. ClinVar contains an entry for this variant (Variation ID: 619220). For these reasons, this variant has been classified as Pathogenic.

Sema4
Classification: Likely pathogenic for Pontocerebellar hypoplasia, type 1A. Last evaluated: 2018-10-26. Review status: no assertion criteria provided. Collection method: clinical testing. Allele origin: unknown. Not counted in ClinVar's aggregate classification.

Literature cited by the submitters: PubMed 33522008 (cited by Natera, Inc.); PubMed 19646678 (cited by Labcorp Genetics (formerly Invitae), Labcorp); PubMed 24126608 (cited by Labcorp Genetics (formerly Invitae), Labcorp); PubMed 27281532 (cited by Labcorp Genetics (formerly Invitae), Labcorp).